The following is an entry in ClinVar:

ClinVar aggregate classification (germline): Uncertain significance. Review status: criteria provided, multiple submitters, no conflicts (2 of 4 stars). 3 submissions from 3 submitters: Uncertain significance (3). Last evaluated 2025-11-23.

Conditions:
MSH3-related disorder. Also called: MSH3-related condition.
Hereditary cancer-predisposing syndrome. Also called: Neoplastic Syndromes, Hereditary; Tumor predisposition; Hereditary neoplastic syndrome; Hereditary Cancer Syndrome. Identifiers: Orphanet 140162, MedGen C0027672, MeSH D009386, MONDO:0015356.

Allele frequency attached by ClinVar (database versions not stated): gnomAD exomes below 0.00001.
gnomAD v4.1: 4 of 1,614,150 alleles (0.00025%); highest among the groups gnomAD compares: Non-Finnish European, 0.00025%; no homozygotes.

Submissions (3):

Labcorp Genetics (formerly Invitae), Labcorp
Classification: Uncertain significance. Last evaluated: 2025-11-23. Review status: criteria provided, single submitter. Criteria: Invitae Variant Classification Sherloc (09022015). Collection method: clinical testing. Allele origin: germline.
Comment: This sequence change replaces glycine, which is neutral and non-polar, with aspartic acid, which is acidic and polar, at codon 117 of the MSH3 protein (p.Gly117Asp). This variant is present in population databases (no rsID available, gnomAD 0.0009%). This variant has not been reported in the literature in individuals affected with MSH3-related conditions. ClinVar contains an entry for this variant (Variation ID: 1000481). An algorithm developed to predict the effect of missense changes on protein structure and function (PolyPhen-2) suggests that this variant is likely to be tolerated. In summary, the available evidence is currently insufficient to determine the role of this variant in disease. Therefore, it has been classified as a Variant of Uncertain Significance.

PreventionGenetics, part of Exact Sciences
Classification: Uncertain significance for MSH3-related condition. Last evaluated: 2025-06-30. Review status: criteria provided, single submitter. Criteria: ACMG Guidelines, 2015. Collection method: clinical testing. Allele origin: germline.
Comment: The MSH3 c.350G>A variant is predicted to result in the amino acid substitution p.Gly117Asp. To our knowledge, this variant has not been reported in the literature. This variant is reported in 0.00088% of alleles in individuals of European (Non-Finnish) descent in gnomAD and is classified as a variant of uncertain significance in ClinVar. At this time, the clinical significance of this variant is uncertain due to the absence of conclusive functional and genetic evidence.

Ambry Genetics
Classification: Uncertain significance for Hereditary cancer-predisposing syndrome. Last evaluated: 2025-05-20. Review status: criteria provided, single submitter. Criteria: Ambry Variant Classification Scheme 2023. Collection method: clinical testing. Allele origin: germline.
Comment: The p.G117D variant (also known as c.350G>A), located in coding exon 2 of the MSH3 gene, results from a G to A substitution at nucleotide position 350. The glycine at codon 117 is replaced by aspartic acid, an amino acid with similar properties. This amino acid position is not well conserved in available vertebrate species. In addition, this alteration is predicted to be tolerated by in silico analysis. Based on the available evidence, the clinical significance of this variant remains unclear.

NM_002439.5(MSH3):c.350G>A (p.Gly117Asp)

Gene: MSH3 (mutS homolog 3; plus strand). Cytogenetic location: 5q14.1.
Variant type: single nucleotide variant.
Coding change: c.350G>A on transcript NM_002439.5 (MANE Select); coding-DNA position 350, G replaced by A.
Protein change: p.Gly117Asp; replaces glycine 117 with aspartic acid.
Molecular consequence: missense variant.
Genome position (GRCh38, 1-based): chr5:80,656,523, G>A. VCF-style: chr5-80656523-G-A. GRCh37 (hg19) VCF-style: chr5-79952342-G-A.
Other names: c.350G>A (NM_002439.4); short protein forms G117D.
Identifiers: ClinVar variation 1000481 (VCV001000481.14), dbSNP rs1456712758, ClinGen allele CA360266587.